The following is an entry in ClinVar:

ClinVar aggregate classification (germline): Uncertain significance. Review status: criteria provided, multiple submitters, no conflicts (2 of 4 stars). 3 submissions from 3 submitters: Uncertain significance (2). 1 of the submissions does not count toward it. Last evaluated 2025-05-14.

Conditions:
Walker-Warburg congenital muscular dystrophy. Also called: Muscular dystrophy-dystroglycanopathy, type A; Walker-Warburg syndrome. Identifiers: Orphanet 899, MedGen C0265221, MONDO:0000171.
Cardiovascular phenotype. Identifiers: MedGen CN230736.

Allele frequency attached by ClinVar (database versions not stated): gnomAD exomes below 0.00001; TOPMed below 0.00001.
gnomAD v4.1: 1 of 1,614,076 alleles (0.000062%); highest among the groups gnomAD compares: Admixed American, 0.0017%; no homozygotes.

Submissions (3):

Ambry Genetics
Classification: Uncertain significance for Cardiovascular phenotype. Last evaluated: 2025-05-14. Review status: criteria provided, single submitter. Criteria: Ambry Variant Classification Scheme 2023. Collection method: clinical testing. Allele origin: germline.

Labcorp Genetics (formerly Invitae), Labcorp
Classification: Uncertain significance for Walker-Warburg congenital muscular dystrophy. Last evaluated: 2021-08-27. Review status: criteria provided, single submitter. Criteria: Invitae Variant Classification Sherloc (09022015). Collection method: clinical testing. Allele origin: germline.
Comment: This sequence change replaces histidine with glutamine at codon 188 of the FKTN protein (p.His188Gln). The histidine residue is moderately conserved and there is a small physicochemical difference between histidine and glutamine. This variant is not present in population databases (ExAC no frequency). This variant has not been reported in the literature in individuals affected with FKTN-related conditions. Algorithms developed to predict the effect of missense changes on protein structure and function output the following: SIFT: "Tolerated"; PolyPhen-2: "Benign"; Align-GVGD: "Class C0". The glutamine amino acid residue is found in multiple mammalian species, which suggests that this missense change does not adversely affect protein function. Algorithms developed to predict the effect of sequence changes on RNA splicing suggest that this variant may create or strengthen a splice site. In summary, the available evidence is currently insufficient to determine the role of this variant in disease. Therefore, it has been classified as a Variant of Uncertain Significance.

Natera, Inc.
Classification: Uncertain significance for Walker-Warburg congenital muscular dystrophy. Last evaluated: 2020-04-14. Review status: no assertion criteria provided. Collection method: clinical testing. Allele origin: germline. Not counted in ClinVar's aggregate classification.

NM_001079802.2(FKTN):c.564C>G (p.His188Gln)

Gene: FKTN (fukutin; plus strand). Cytogenetic location: 9q31.2.
Variant type: single nucleotide variant.
Coding change: c.564C>G on transcript NM_001079802.2 (MANE Select); coding-DNA position 564, C replaced by G.
Protein change: p.His188Gln; replaces histidine 188 with glutamine.
Molecular consequence: missense variant. On other transcripts: non-coding transcript variant (2).
Genome position (GRCh38, 1-based): chr9:105,604,409, C>G. VCF-style: chr9-105604409-C-G. GRCh37 (hg19) VCF-style: chr9-108366690-C-G.
Other names: c.564C>G, p.His188Gln (NM_001198963.2, NM_001351496.2, NM_001351498.2 and 1 more transcripts); c.495C>G, p.His165Gln (NM_001351497.2); c.168C>G, p.His56Gln (NM_001351499.2, NM_001351500.2, NM_001351501.2 and 1 more transcripts); c.564C>G (NM_001079802.1); short protein forms H165Q, H56Q, H188Q.
Identifiers: ClinVar variation 1038246 (VCV001038246.11), dbSNP rs1828485095, ClinGen allele CA374332266.